The following is an entry in ClinVar:

ClinVar aggregate classification (germline): Uncertain significance (1 of 4 stars; one submission).

Conditions:
CHARGE syndrome (CHARGE). Also called: Hittner Hirsch Kreh syndrome; CHARGE ASSOCIATION--COLOBOMA, HEART ANOMALY, CHOANAL ATRESIA, RETARDATION, GENITAL AND EAR ANOMALIES; Coloboma, heart anomaly, choanal atresia, retardation, genital and ear anomalies; CHARGE association; Hall-Hittner syndrome. Identifiers: Orphanet 138, MedGen C0265354, MONDO:0008965.

gnomAD v4.1: 1 of 1,612,652 alleles (0.000062%); highest among the groups gnomAD compares: Admixed American, 0.0017%; no homozygotes.

Submission:

Labcorp Genetics (formerly Invitae), Labcorp
Classification: Uncertain significance for CHARGE syndrome. Last evaluated: 2024-03-12. Review status: criteria provided, single submitter. Criteria: Invitae Variant Classification Sherloc (09022015). Collection method: clinical testing. Allele origin: germline.
Comment: This sequence change replaces glycine, which is neutral and non-polar, with arginine, which is basic and polar, at codon 89 of the SEMA3E protein (p.Gly89Arg). This variant is present in population databases (rs759100269, gnomAD 0.003%). This variant has not been reported in the literature in individuals affected with SEMA3E-related conditions. Advanced modeling of protein sequence and biophysical properties (such as structural, functional, and spatial information, amino acid conservation, physicochemical variation, residue mobility, and thermodynamic stability) performed at Invitae indicates that this missense variant is not expected to disrupt SEMA3E protein function with a negative predictive value of 80%. In summary, the available evidence is currently insufficient to determine the role of this variant in disease. Therefore, it has been classified as a Variant of Uncertain Significance.

NM_012431.3(SEMA3E):c.265G>C (p.Gly89Arg)

Gene: SEMA3E (semaphorin 3E; minus strand). Cytogenetic location: 7q21.11.
Variant type: single nucleotide variant.
Coding change: c.265G>C on transcript NM_012431.3 (MANE Select); coding-DNA position 265, G replaced by C.
Protein change: p.Gly89Arg; replaces glycine 89 with arginine.
Molecular consequence: missense variant.
Genome position (GRCh38, 1-based): chr7:83,490,125, C>G on the plus strand (G>C on the coding strand, the complement: SEMA3E is on the minus strand). VCF-style: chr7-83490125-C-G. GRCh37 (hg19) VCF-style: chr7-83119441-C-G.
Other names: c.85G>C, p.Gly29Arg (NM_001178129.2); short protein forms G29R, G89R.
Identifiers: ClinVar variation 2897720 (VCV002897720.3), dbSNP rs759100269, ClinGen allele CA4322412.